The following is an entry in ClinVar:

NM_207034.3(EDN3):c.675A>G (p.Pro225=)

Gene: EDN3 (endothelin 3; plus strand). Cytogenetic location: 20q13.32.
Variant type: single nucleotide variant.
Coding change: c.675A>G on transcript NM_207034.3 (MANE Select); coding-DNA position 675, A replaced by G.
Protein change: p.Pro225=; no amino-acid change (proline 225 retained).
Molecular consequence: synonymous variant. On other transcripts: 3 prime UTR variant (5).
Genome position (GRCh38, 1-based): chr20:59,324,417, A>G. VCF-style: chr20-59324417-A-G. GRCh37 (hg19) VCF-style: chr20-57899472-A-G.
Other names: c.*82A>G (NM_001302455.2); c.*50A>G (NM_001302456.2, NM_001424361.1, NM_207032.3); c.714A>G, p.Pro238= (NM_001424362.1); c.*113A>G (NM_001424363.1); c.633A>G, p.Pro211= (NM_207033.3).
Identifiers: ClinVar variation 3032423 (VCV003032423.2), dbSNP rs754204521, ClinGen allele CA9930470.

ClinVar aggregate classification (germline): Likely benign (0 of 4 stars; one submission).

Conditions:
EDN3-related disorder. Also called: EDN3-related condition.

Allele frequency attached by ClinVar (database versions not stated): gnomAD exomes below 0.00001; ExAC 0.00001; gnomAD 0.00001; TOPMed 0.00002.
gnomAD v4.1: 7 of 1,613,878 alleles (0.00043%); highest among the groups gnomAD compares: African/African-American, 0.0053%; no homozygotes.

Submission:

PreventionGenetics, part of Exact Sciences
Classification: Likely benign for EDN3-related condition. Last evaluated: 2022-11-11. Review status: no assertion criteria provided. Collection method: clinical testing. Allele origin: germline.
Comment: This variant is classified as likely benign based on ACMG/AMP sequence variant interpretation guidelines (Richards et al. 2015 PMID: 25741868, with internal and published modifications).